The following is an entry in ClinVar:

ClinVar aggregate classification (germline): Conflicting classifications of pathogenicity. Review status: criteria provided, conflicting classifications (1 of 4 stars). 5 submissions from 5 submitters: Uncertain significance (3); Likely benign (1). 1 of the submissions does not count toward it. Last evaluated 2025-06-25.

Conditions:
Breast-ovarian cancer, familial, susceptibility to, 1 (BROVCA1). Also called: BRCA1 Hereditary Breast and Ovarian Cancer; OVARIAN CANCER, SUSCEPTIBILITY TO. Identifiers: Orphanet 145, MedGen C2676676, MONDO:0011450, OMIM 604370. Disease mechanism: loss of function.
Hereditary breast ovarian cancer syndrome. Also called: Breast and ovarian cancer; Hereditary breast and ovarian cancer; Hereditary breast and ovarian cancer syndrome; Hereditary breast and/or ovarian cancer syndrome; BRCA1- and BRCA2-Associated Hereditary Breast and Ovarian Cancer; Hereditary breast and ovarian cancer syndrome (HBOC). Identifiers: Orphanet 145, MedGen C0677776, MeSH D061325, MONDO:0003582. Disease mechanism: loss of function.
Hereditary cancer-predisposing syndrome. Also called: Tumor predisposition; Hereditary Cancer Syndrome; Neoplastic Syndromes, Hereditary; Hereditary neoplastic syndrome. Identifiers: Orphanet 140162, MedGen C0027672, MeSH D009386, MONDO:0015356.

Submissions (5):

Labcorp Genetics (formerly Invitae), Labcorp
Classification: Uncertain significance for Hereditary breast ovarian cancer syndrome. Last evaluated: 2025-06-25. Review status: criteria provided, single submitter. Criteria: Invitae Variant Classification Sherloc (09022015). Collection method: clinical testing. Allele origin: germline.
Comment: This sequence change replaces lysine, which is basic and polar, with arginine, which is basic and polar, at codon 701 of the BRCA1 protein (p.Lys701Arg). This variant is not present in population databases (gnomAD no frequency). This variant has not been reported in the literature in individuals affected with BRCA1-related conditions. ClinVar contains an entry for this variant (Variation ID: 229967). Invitae Evidence Modeling of protein sequence and biophysical properties (such as structural, functional, and spatial information, amino acid conservation, physicochemical variation, residue mobility, and thermodynamic stability) indicates that this missense variant is not expected to disrupt BRCA1 protein function with a negative predictive value of 80%. In summary, the available evidence is currently insufficient to determine the role of this variant in disease. Therefore, it has been classified as a Variant of Uncertain Significance.

Ambry Genetics
Classification: Uncertain significance for Hereditary cancer-predisposing syndrome. Last evaluated: 2025-03-06. Review status: criteria provided, single submitter. Criteria: Ambry Variant Classification Scheme 2023. Collection method: clinical testing. Allele origin: germline.
Comment: The p.K701R variant (also known as c.2102A>G), located in coding exon 9 of the BRCA1 gene, results from an A to G substitution at nucleotide position 2102. The lysine at codon 701 is replaced by arginine, an amino acid with highly similar properties. This amino acid position is poorly conserved in available vertebrate species. In addition, this alteration is predicted to be tolerated by in silico analysis. Since supporting evidence is limited at this time, the clinical significance of this alteration remains unclear.

University of Washington Department of Laboratory Medicine, University of Washington
Classification: Likely benign for Hereditary cancer-predisposing syndrome. Last evaluated: 2023-03-23. Review status: criteria provided, single submitter. Criteria: Dines et al. (Genet Med. 2020). Collection method: curation. Allele origin: germline.
Comment: Missense variant in a coldspot region where missense variants are very unlikely to be pathogenic (PMID:31911673).

BRCA1 coldspot (exon 11 using historical exon numbering). Reclassification based on statistical prior probability

Color Diagnostics, LLC DBA Color Health
Classification: Uncertain significance for Hereditary cancer-predisposing syndrome. Last evaluated: 2020-09-15. Review status: criteria provided, single submitter. Criteria: ACMG Guidelines, 2015. Collection method: clinical testing. Allele origin: germline.
Comment: This missense variant replaces lysine with arginine at codon 701 of the BRCA1 protein. Computational prediction suggests that this variant may not impact protein structure and function (internally defined REVEL score threshold <= 0.5, PMID: 27666373). To our knowledge, functional studies have not been reported for this variant. This variant has not been reported in individuals affected with hereditary cancer in the literature. This variant has not been identified in the general population by the Genome Aggregation Database (gnomAD). The available evidence is insufficient to determine the role of this variant in disease conclusively. Therefore, this variant is classified as a Variant of Uncertain Significance.

Counsyl
Classification: Uncertain significance for Breast-ovarian cancer, familial, susceptibility to, 1. Last evaluated: 2018-03-23. Review status: no assertion criteria provided. Collection method: clinical testing. Allele origin: unknown. Not counted in ClinVar's aggregate classification.

NM_007294.4(BRCA1):c.2102A>G (p.Lys701Arg)

Gene: BRCA1 (BRCA1 DNA repair associated; minus strand). Cytogenetic location: 17q21.31.
Variant type: single nucleotide variant.
Coding change: c.2102A>G on transcript NM_007294.4 (MANE Select); coding-DNA position 2102, A replaced by G.
Protein change: p.Lys701Arg; replaces lysine 701 with arginine.
Molecular consequence: missense variant. On other transcripts: intron variant (137).
Genome position (GRCh38, 1-based): chr17:43,093,429, T>C on the plus strand (A>G on the coding strand, the complement: BRCA1 is on the minus strand). VCF-style: chr17-43093429-T-C. GRCh37 (hg19) VCF-style: chr17-41245446-T-C.
Other names: c.1961A>G, p.Lys654Arg (NM_001407851.1, NM_001407852.1, NM_001407942.1 and 29 more transcripts); c.1889A>G, p.Lys630Arg (NM_001407853.1, NM_001407894.1, NM_001407895.1 and 9 more transcripts); c.2102A>G, p.Lys701Arg (NM_001407854.1, NM_001407858.1, NM_001407859.1 and 30 more transcripts); c.2099A>G, p.Lys700Arg (NM_001407860.1, NM_001407861.1, NM_001407610.1 and 22 more transcripts); c.1901A>G, p.Lys634Arg (NM_001407862.1); c.1892A>G, p.Lys631Arg (NM_001407889.1, NM_001407900.1, NM_001407902.1 and 13 more transcripts); c.1979A>G, p.Lys660Arg (NM_001407919.1, NM_001407938.1, NM_001407939.1 and 19 more transcripts); c.1838A>G, p.Lys613Arg (NM_001407920.1, NM_001407921.1, NM_001407922.1 and 9 more transcripts); and 41 more; short protein forms K701R, K654R, K660R, K674R, K698R, K405R, K574R, K573R.
Identifiers: ClinVar variation 229967 (VCV000229967.22), dbSNP rs876658307, ClinGen allele CA10580634.